The following is an entry in ClinVar:

NM_001105206.3(LAMA4):c.3550C>T (p.Gln1184Ter)

Gene: LAMA4 (laminin subunit alpha 4; minus strand). Cytogenetic location: 6q21.
Variant type: single nucleotide variant.
Coding change: c.3550C>T on transcript NM_001105206.3 (MANE Select); coding-DNA position 3550, C replaced by T.
Protein change: p.Gln1184Ter; replaces glutamine 1184 with a stop codon.
Molecular consequence: nonsense.
Genome position (GRCh38, 1-based): chr6:112,134,474, G>A on the plus strand (C>T on the coding strand, the complement: LAMA4 is on the minus strand). VCF-style: chr6-112134474-G-A. GRCh37 (hg19) VCF-style: chr6-112455676-G-A.
Other names: c.3529C>T, p.Gln1177Ter (NM_001105207.3, NM_002290.5); short protein forms Q1177*, Q1184*.
Identifiers: ClinVar variation 963595 (VCV000963595.3), dbSNP rs1779217262, ClinGen allele CA365376590.

ClinVar aggregate classification (germline): Uncertain significance (1 of 4 stars; one submission).

Conditions:
Dilated cardiomyopathy 1JJ (CMD1JJ). Identifiers: Orphanet 154, MedGen C3808935, MONDO:0014095, OMIM 615235.

Allele frequency attached by ClinVar (database versions not stated): gnomAD exomes below 0.00001.
gnomAD v4.1: 1 of 1,613,448 alleles (0.000062%); highest among the groups gnomAD compares: Non-Finnish European, 0.000085%; no homozygotes.

Submission:

Labcorp Genetics (formerly Invitae), Labcorp
Classification: Uncertain significance for Dilated cardiomyopathy 1JJ. Last evaluated: 2019-08-29. Review status: criteria provided, single submitter. Criteria: Invitae Variant Classification Sherloc (09022015). Collection method: clinical testing. Allele origin: germline.
Comment: This sequence change creates a premature translational stop signal (p.Gln1177*) in the LAMA4 gene. It is expected to result in an absent or disrupted protein product. This variant is not present in population databases (ExAC no frequency). This variant has not been reported in the literature in individuals with LAMA4-related conditions. The current clinical and genetic evidence is not sufficient to establish whether loss-of-function variants in LAMA4 cause disease. In summary, the available evidence is currently insufficient to determine the role of this variant in disease. Therefore, it has been classified as a Variant of Uncertain Significance.